The following is an entry in ClinVar:

ClinVar aggregate classification (germline): Pathogenic. Review status: criteria provided, multiple submitters, no conflicts (2 of 4 stars). 2 submissions from 2 submitters: Pathogenic (2). Last evaluated 2022-07-04.

Conditions:
Brain-lung-thyroid syndrome. Also called: CHOREOATHETOSIS AND CONGENITAL HYPOTHYROIDISM WITH PULMONARY DYSFUNCTION; Choreoathetosis, Congenital Hypothyroidism, and Neonatal Respiratory Distress Syndrome (Brain-Lung-Thyroid Syndrome); Choreoathetosis, congenital hypothyroidism, and neonatal respiratory distress. Identifiers: Orphanet 209905, MedGen C1970269, MONDO:0012593, OMIM 610978.

Submissions (2):

Labcorp Genetics (formerly Invitae), Labcorp
Classification: Pathogenic. Last evaluated: 2022-07-04. Review status: criteria provided, single submitter. Criteria: Invitae Variant Classification Sherloc (09022015). Collection method: clinical testing. Allele origin: germline.
Comment: For these reasons, this variant has been classified as Pathogenic. This variant disrupts a region of the NKX2-1 protein in which other variant(s) (p.Gln356*) have been determined to be pathogenic (Invitae). This suggests that this is a clinically significant region of the protein, and that variants that disrupt it are likely to be disease-causing. This variant has not been reported in the literature in individuals affected with NKX2-1-related conditions. This variant is not present in population databases (gnomAD no frequency). This sequence change creates a premature translational stop signal (p.Phe158Leufs*8) in the NKX2-1 gene. While this is not anticipated to result in nonsense mediated decay, it is expected to disrupt the last 244 amino acid(s) of the NKX2-1 protein.

Molecular Diagnostics Lab, Nemours Children's Health, Delaware
Classification: Pathogenic for Brain-lung-thyroid syndrome. Last evaluated: 2019-12-27. Review status: criteria provided, single submitter. Criteria: ACMG Guidelines, 2015. Collection method: clinical testing. Allele origin: unknown. Inheritance: Autosomal dominant inheritance. Affected: yes. Observed: 2 heterozygotes. Clinical features observed: Movement disorder (HP:0100022), Respiratory distress (HP:0002098). Segregation with disease observed.

NM_001079668.3(NKX2-1):c.474del (p.Phe158fs)

Genes: NKX2-1 (NK2 homeobox 1; minus strand), SFTA3 (surfactant associated 3; minus strand). Cytogenetic location: 14q13.3.
Variant type: Deletion.
Coding change: c.474del on transcript NM_001079668.3 (MANE Select); coding-DNA position 474, one base deleted (C; older notation c.474delC).
Protein change: p.Phe158fs; shifts the reading frame from phenylalanine 158.
Molecular consequence: frameshift variant.
Genome position (GRCh38, 1-based): chr14:36,518,010, G deleted on the plus strand (C on the coding strand, the reverse complement: NKX2-1 is on the minus strand). VCF-style (leftmost placement, unchanged base first): chr14-36518009-TG-T. GRCh37 (hg19) VCF-style: chr14-36987214-TG-T.
Other names: c.474delC (NM_001079668.2); c.384del, p.Phe128fs (NM_003317.4); short protein forms F158fs, F128fs.
Identifiers: ClinVar variation 2013969 (VCV002013969.6), dbSNP rs2502630215, ClinGen allele CA2580088222.